The following is an entry in ClinVar:

ClinVar aggregate classification (germline): Uncertain significance (1 of 4 stars; one submission).

Conditions:
FGFR2-related craniosynostosis. Identifiers: MedGen CN231480.

Submission:

Labcorp Genetics (formerly Invitae), Labcorp
Classification: Uncertain significance for FGFR2-related craniosynostosis. Last evaluated: 2025-08-19. Review status: criteria provided, single submitter. Criteria: Invitae Variant Classification Sherloc (09022015). Collection method: clinical testing. Allele origin: germline.
Comment: This sequence change replaces methionine, which is neutral and non-polar, with arginine, which is basic and polar, at codon 121 of the FGFR2 protein (p.Met121Arg). This variant is not present in population databases (gnomAD no frequency). This variant has not been reported in the literature in individuals affected with FGFR2-related conditions. Invitae Evidence Modeling of protein sequence and biophysical properties (such as structural, functional, and spatial information, amino acid conservation, physicochemical variation, residue mobility, and thermodynamic stability) indicates that this missense variant is not expected to disrupt FGFR2 protein function with a negative predictive value of 80%. In summary, the available evidence is currently insufficient to determine the role of this variant in disease. Therefore, it has been classified as a Variant of Uncertain Significance.

NM_000141.5(FGFR2):c.362T>G (p.Met121Arg)

Gene: FGFR2 (fibroblast growth factor receptor 2; minus strand). Cytogenetic location: 10q26.13.
Variant type: single nucleotide variant.
Coding change: c.362T>G on transcript NM_000141.5 (MANE Select); coding-DNA position 362, T replaced by G.
Protein change: p.Met121Arg; replaces methionine 121 with arginine.
Molecular consequence: missense variant. On other transcripts: intron variant (9).
Genome position (GRCh38, 1-based): chr10:121,565,452, A>C on the plus strand (T>G on the coding strand, the complement: FGFR2 is on the minus strand). VCF-style: chr10-121565452-A-C. GRCh37 (hg19) VCF-style: chr10-123324966-A-C.
Other names: c.362T>G, p.Met121Arg (NM_001144913.1, NM_001144914.1, NM_001144917.2 and 3 more transcripts); c.110-13993T>G (NM_001144918.2, NM_001441091.1, NM_001441090.1 and 1 more transcripts); c.110-873T>G (NM_001441089.1, NM_023029.3, NM_001441088.1 and 2 more transcripts); short protein forms M121R.
Identifiers: ClinVar variation 4769284 (VCV004769284.1).